The following is an entry in ClinVar:

ClinVar aggregate classification (germline): Conflicting classifications of pathogenicity. Review status: criteria provided, conflicting classifications (1 of 4 stars). 3 submissions from 3 submitters: Uncertain significance (2); Likely benign (1). Last evaluated 2025-10-22.

Conditions:
COL11A2-related disorder. Also called: COL11A2-related condition; COL11A2-related disorders.

Allele frequency attached by ClinVar (database versions not stated): gnomAD exomes 0.00001.

Submissions (3):

PreventionGenetics, part of Exact Sciences
Classification: Uncertain significance for COL11A2-related condition. Last evaluated: 2025-10-22. Review status: criteria provided, single submitter. Criteria: ACMG Guidelines, 2015. Collection method: clinical testing. Allele origin: germline.
Comment: The COL11A2 c.4841C>T variant is predicted to result in the amino acid substitution p.Thr1614Met. To our knowledge, this variant has not been reported in the literature. This variant is reported in 0.0042% of alleles in individuals of South Asian descent in gnomAD. At this time, the clinical significance of this variant is uncertain due to the absence of conclusive functional and genetic evidence.

Labcorp Genetics (formerly Invitae), Labcorp
Classification: Likely benign. Last evaluated: 2023-10-04. Review status: criteria provided, single submitter. Criteria: Invitae Variant Classification Sherloc (09022015). Collection method: clinical testing. Allele origin: germline.

Blueprint Genetics
Classification: Uncertain significance. Last evaluated: 2023-07-07. Review status: criteria provided, single submitter. Criteria: ACMG Guidelines, 2015. Collection method: clinical testing. Allele origin: germline.

NM_080680.3(COL11A2):c.4841C>T (p.Thr1614Met)

Gene: COL11A2 (collagen type XI alpha 2 chain; minus strand). Cytogenetic location: 6p21.32.
Variant type: single nucleotide variant.
Coding change: c.4841C>T on transcript NM_080680.3 (MANE Select); coding-DNA position 4841, C replaced by T.
Protein change: p.Thr1614Met; replaces threonine 1614 with methionine.
Molecular consequence: missense variant.
Genome position (GRCh38, 1-based): chr6:33,164,874, G>A on the plus strand (C>T on the coding strand, the complement: COL11A2 is on the minus strand). VCF-style: chr6-33164874-G-A. GRCh37 (hg19) VCF-style: chr6-33132651-G-A.
Other names: c.4520C>T, p.Thr1507Met (NM_080679.3); c.4583C>T, p.Thr1528Met (NM_080681.3); c.4841C>T (NM_080680.2); short protein forms T1507M, T1614M, T1528M.
Identifiers: ClinVar variation 2146227 (VCV002146227.6), dbSNP rs1301815059, ClinGen allele CA363617452.